The following is an entry in ClinVar:

ClinVar aggregate classification (germline): Uncertain significance. Review status: criteria provided, multiple submitters, no conflicts (2 of 4 stars). 2 submissions from 2 submitters: Uncertain significance (2). Last evaluated 2026-01-05.

Conditions:
ILDR1-related disorder. Also called: ILDR1-related condition.

Allele frequency attached by ClinVar (database versions not stated): gnomAD 0.00001; TOPMed 0.00006; 1000 Genomes Project 30x 0.00016; 1000 Genomes Project 0.00020.
gnomAD v4.1: 42 of 1,613,942 alleles (0.0026%); highest among the groups gnomAD compares: East Asian, 0.058%; no homozygotes.

Submissions (2):

PreventionGenetics, part of Exact Sciences
Classification: Uncertain significance for ILDR1-related condition. Last evaluated: 2026-01-05. Review status: criteria provided, single submitter. Criteria: ACMG Guidelines, 2015. Collection method: clinical testing. Allele origin: germline.
Comment: The ILDR1 c.1516G>A variant is predicted to result in the amino acid substitution p.Glu506Lys. This variant was reported in an individual with age-related hearing loss (Table S9, Boucher et al. 2020. PubMed ID: 33229591). This variant is reported in 0.054% of alleles in individuals of East Asian descent in gnomAD. Although we suspect that this variant may be benign, at this time, the clinical significance of this variant is uncertain due to the absence of conclusive functional and genetic evidence.

Labcorp Genetics (formerly Invitae), Labcorp
Classification: Uncertain significance. Last evaluated: 2023-11-27. Review status: criteria provided, single submitter. Criteria: Invitae Variant Classification Sherloc (09022015). Collection method: clinical testing. Allele origin: germline.
Comment: This sequence change replaces glutamic acid, which is acidic and polar, with lysine, which is basic and polar, at codon 506 of the ILDR1 protein (p.Glu506Lys). This variant is present in population databases (rs200077106, gnomAD 0.05%). This missense change has been observed in individual(s) with hearing loss (PMID: 33229591). ClinVar contains an entry for this variant (Variation ID: 1521220). An algorithm developed to predict the effect of missense changes on protein structure and function (PolyPhen-2) suggests that this variant is likely to be disruptive. In summary, the available evidence is currently insufficient to determine the role of this variant in disease. Therefore, it has been classified as a Variant of Uncertain Significance.

Literature cited by the submitters: PubMed 33229591 (cited by Labcorp Genetics (formerly Invitae), Labcorp).

NM_001199799.2(ILDR1):c.1516G>A (p.Glu506Lys)

Gene: ILDR1 (immunoglobulin like domain containing receptor 1; minus strand). Cytogenetic location: 3q13.33.
Variant type: single nucleotide variant.
Coding change: c.1516G>A on transcript NM_001199799.2 (MANE Select); coding-DNA position 1516, G replaced by A.
Protein change: p.Glu506Lys; replaces glutamic acid 506 with lysine.
Molecular consequence: missense variant.
Genome position (GRCh38, 1-based): chr3:121,993,233, C>T on the plus strand (G>A on the coding strand, the complement: ILDR1 is on the minus strand). VCF-style: chr3-121993233-C-T. GRCh37 (hg19) VCF-style: chr3-121712080-C-T.
Other names: c.1516G>A (NM_001199799.1); c.1249G>A, p.Glu417Lys (NM_001199800.2); c.1384G>A, p.Glu462Lys (NM_175924.4); short protein forms E506K, E417K, E462K.
Identifiers: ClinVar variation 1521220 (VCV001521220.9), dbSNP rs200077106, ClinGen allele CA2568641.